The following is an entry in ClinVar:

ClinVar aggregate classification (germline): Uncertain significance. Review status: criteria provided, multiple submitters, no conflicts (2 of 4 stars). 3 submissions from 3 submitters: Uncertain significance (3). Last evaluated 2025-07-20.

Conditions:
Wilms tumor 1 (WT1). Also called: Wilms tumor, somatic. Identifiers: Orphanet 654, MedGen CN033288, MONDO:0008679, OMIM 194070.
11p partial monosomy syndrome (WAGR). Also called: WAGR Complex; WAGR syndrome; WAGR Spectrum Disorder; CHROMOSOME 11p13 DELETION SYNDROME. Identifiers: Orphanet 893, MedGen C0206115, MONDO:0008681, OMIM 194072.
Frasier syndrome. Identifiers: Orphanet 347, MedGen C0950122, MeSH D052159, MONDO:0007635, OMIM 136680.
Drash syndrome (DDS). Also called: WILMS TUMOR AND PSEUDO- OR TRUE HERMAPHRODITISM; NEPHROPATHY, WILMS TUMOR, AND GENITAL ANOMALIES. Identifiers: Orphanet 220, MedGen C0950121, MONDO:0008682, OMIM 194080.
Inborn genetic diseases. Identifiers: MedGen C0950123, MeSH D030342.

Allele frequency attached by ClinVar (database versions not stated): gnomAD exomes below 0.00001; gnomAD 0.00001; TOPMed 0.00001.
gnomAD v4.1: 2 of 1,614,034 alleles (0.00012%); highest among the groups gnomAD compares: African/African-American, 0.0027%; no homozygotes.

Submissions (3):

Ambry Genetics
Classification: Uncertain significance for Inborn genetic diseases. Last evaluated: 2025-07-20. Review status: criteria provided, single submitter. Criteria: Ambry Variant Classification Scheme 2023. Collection method: clinical testing. Allele origin: germline.
Comment: The p.P249L variant (also known as c.746C>T), located in coding exon 2 of the WT1 gene, results from a C to T substitution at nucleotide position 746. The proline at codon 249 is replaced by leucine, an amino acid with similar properties. This amino acid position is conserved. In addition, the in silico prediction for this alteration is inconclusive. Based on the available evidence, the clinical significance of this variant remains unclear.

GeneDx
Classification: Uncertain significance. Last evaluated: 2025-05-30. Review status: criteria provided, single submitter. Criteria: GeneDx Variant Classification Process June 2021. Collection method: clinical testing. Allele origin: germline. Affected: yes.
Comment: Not observed at significant frequency in large population cohorts (gnomAD); In silico analysis supports that this missense variant has a deleterious effect on protein structure/function; This variant is associated with the following publications: (PMID: 8486616)

Labcorp Genetics (formerly Invitae), Labcorp
Classification: Uncertain significance for Wilms tumor 1; Drash syndrome; 11p partial monosomy syndrome; Frasier syndrome. Last evaluated: 2022-01-28. Review status: criteria provided, single submitter. Criteria: Invitae Variant Classification Sherloc (09022015). Collection method: clinical testing. Allele origin: germline.
Comment: In summary, the available evidence is currently insufficient to determine the role of this variant in disease. Therefore, it has been classified as a Variant of Uncertain Significance. Algorithms developed to predict the effect of missense changes on protein structure and function are either unavailable or do not agree on the potential impact of this missense change (SIFT: "Deleterious"; PolyPhen-2: "Benign"; Align-GVGD: "Class C0"). This variant has not been reported in the literature in individuals affected with WT1-related conditions. This variant is present in population databases (no rsID available, gnomAD 0.007%). This sequence change replaces proline, which is neutral and non-polar, with leucine, which is neutral and non-polar, at codon 249 of the WT1 protein (p.Pro249Leu).

NM_024426.6(WT1):c.761C>T (p.Pro254Leu)

Gene: WT1 (WT1 transcription factor; minus strand). Cytogenetic location: 11p13.
Variant type: single nucleotide variant.
Coding change: c.761C>T on transcript NM_024426.6 (MANE Select); coding-DNA position 761, C replaced by T.
Protein change: p.Pro254Leu; replaces proline 254 with leucine.
Molecular consequence: missense variant. On other transcripts: 5 prime UTR variant (1), non-coding transcript variant (2), intron variant (2).
Genome position (GRCh38, 1-based): chr11:32,428,520, G>A on the plus strand (C>T on the coding strand, the complement: WT1 is on the minus strand). VCF-style: chr11-32428520-G-A. GRCh37 (hg19) VCF-style: chr11-32450066-G-A.
Other names: c.746C>T (NM_024426.4); c.761C>T, p.Pro254Leu (NM_000378.6, NM_001407044.1, NM_001407045.1 and 4 more transcripts); c.110C>T, p.Pro37Leu (NM_001198551.2, NM_001198552.2); c.-2C>T (NM_001407051.1); c.746C>T, p.Pro249Leu (NM_024425.2); c.662-462C>T (NM_001407050.1, NM_001407047.1); short protein forms P254L, P37L, P249L.
Identifiers: ClinVar variation 1345122 (VCV001345122.11), dbSNP rs1213160959, ClinGen allele CA379963298.